The following is an entry in ClinVar:

NM_001267550.2(TTN):c.39128-14T>C

Gene: TTN (titin; minus strand). Cytogenetic location: 2q31.2.
Variant type: single nucleotide variant.
Coding change: c.39128-14T>C on transcript NM_001267550.2 (MANE Select); 14 bases into the intron before coding-DNA position 39128, T replaced by C.
Molecular consequence: intron variant.
Genome position (GRCh38, 1-based): chr2:178,652,361, A>G on the plus strand (T>C on the coding strand, the complement: TTN is on the minus strand). VCF-style: chr2-178652361-A-G. GRCh37 (hg19) VCF-style: chr2-179517088-A-G.
Other names: c.13283-10044T>C (NM_003319.4); c.13859-10044T>C (NM_133437.4); c.13658-10044T>C (NM_133432.3); c.31826-14T>C (NM_133378.4); c.34607-14T>C (NM_001256850.1).
Identifiers: ClinVar variation 46920 (VCV000046920.23), dbSNP rs200916144, ClinGen allele CA283182.
Genomic context (GRCh38, chr2:178,652,361, plus strand): 5'-CACTGGCACTTTCTTTTCAGGAACAACTTCTTTGGGAGCCTCAGGCACTTGAAAGATAAT[A>G]GTGAAATTACATTTAGGCATTATGAAGACCACTAGAAAAATACTTTCCAGAGCAGAAGAG-3'

ClinVar aggregate classification (germline): Conflicting classifications of pathogenicity. Review status: criteria provided, conflicting classifications (1 of 4 stars). 12 submissions from 8 submitters: Uncertain significance (3); Benign (3); Likely benign (4). 2 of the submissions do not count toward it. Last evaluated 2026-01-31.

Conditions:
Dilated cardiomyopathy 1G (CMD1G). Identifiers: Orphanet 154, MedGen C1858763, MONDO:0011400, OMIM 604145.
Autosomal recessive limb-girdle muscular dystrophy type 2J (LGMDR10). Also called: MUSCULAR DYSTROPHY, LIMB-GIRDLE, AUTOSOMAL RECESSIVE 10; Limb-girdle muscular dystrophy, type 2J. Identifiers: Orphanet 140922, MedGen C1837342, MONDO:0012127, OMIM 608807.
Early-onset myopathy with fatal cardiomyopathy (CMYO5). Also called: CONGENITAL MYOPATHY 5 WITH CARDIOMYOPATHY; Salih Myopathy. Identifiers: Orphanet 289377, MedGen C2673677, MONDO:0012714, OMIM 611705. Disease mechanism: loss of function.
Tibial muscular dystrophy (TMD). Also called: Udd Distal Myopathy – Tibial Muscular Dystrophy; Tibial muscular dystrophy, tardive; UDD MYOPATHY. Identifiers: Orphanet 609, MedGen C1838244, MONDO:0010870, OMIM 600334.
Myopathy, myofibrillar, 9, with early respiratory failure (MFM9). Also called: Myopathy, distal, with early respiratory failure, autosomal dominant; Hereditary myopathy with early respiratory failure; MYOPATHY, PROXIMAL, WITH EARLY RESPIRATORY MUSCLE INVOLVEMENT; EDSTROM MYOPATHY. Identifiers: Orphanet 178464, Orphanet 34521, MedGen C1863599, MONDO:0011362, OMIM 603689.

Allele frequency attached by ClinVar (database versions not stated): ESP Exome Variant Server 0.00025; 1000 Genomes Project 30x 0.00031; gnomAD 0.00032; 1000 Genomes Project 0.00020; TOPMed 0.00031.
gnomAD v4.1: 751 of 1,613,584 alleles (0.047%); highest among the groups gnomAD compares: Non-Finnish European, 0.06%; no homozygotes.

Submissions (12):

Labcorp Genetics (formerly Invitae), Labcorp
Classification: Likely benign for Dilated cardiomyopathy 1G; Autosomal recessive limb-girdle muscular dystrophy type 2J. Last evaluated: 2026-01-31. Review status: criteria provided, single submitter. Criteria: Invitae Variant Classification Sherloc (09022015). Collection method: clinical testing. Allele origin: germline.

Blueprint Genetics
Classification: Likely benign. Last evaluated: 2024-10-01. Review status: criteria provided, single submitter. Criteria: ACMG Guidelines, 2015. Collection method: clinical testing. Allele origin: germline.

Women's Health and Genetics/Laboratory Corporation of America, LabCorp
Classification: Likely benign. Last evaluated: 2020-01-06. Review status: criteria provided, single submitter. Criteria: LabCorp Variant Classification Summary - May 2015. Collection method: clinical testing. Allele origin: germline.
Comment: Variant summary: TTN c.31826-14T>C alters a conserved nucleotide located close to a canonical splice site and therefore could affect mRNA splicing, leading to a significantly altered protein sequence. 5/5 computational tools predict no significant impact on normal splicing. However, these predictions have yet to be confirmed by functional studies. The variant allele was found at a frequency of 0.00023 in 249012 control chromosomes. This frequency is not significantly higher than expected for a pathogenic variant in TTN causing Cardiomyopathy (0.00023 vs 0.00063), allowing no conclusion about variant significance. To our knowledge, no occurrence of c.31826-14T>C in individuals affected with Cardiomyopathy and no experimental evidence demonstrating its impact on protein function have been reported. Three clinical diagnostic laboratories have submitted clinical-significance assessments for this variant to ClinVar without evidence for independent evaluation (2x bening/likely benign, 1x VUS). Based on the evidence outlined above, the variant was classified as likely benign.

Illumina Laboratory Services, Illumina
Classification: Uncertain significance for Autosomal recessive limb-girdle muscular dystrophy type 2J. Last evaluated: 2018-01-13. Review status: criteria provided, single submitter. Criteria: ICSL Variant Classification Criteria 13 December 2019. Collection method: clinical testing. Allele origin: germline.

Illumina Laboratory Services, Illumina
Classification: Uncertain significance for Dilated cardiomyopathy 1G. Last evaluated: 2018-01-13. Review status: criteria provided, single submitter. Criteria: ICSL Variant Classification Criteria 13 December 2019. Collection method: clinical testing. Allele origin: germline.

Illumina Laboratory Services, Illumina
Classification: Benign for Tibial muscular dystrophy. Last evaluated: 2018-01-13. Review status: criteria provided, single submitter. Criteria: ICSL Variant Classification Criteria 13 December 2019. Collection method: clinical testing. Allele origin: germline.
Comment: This variant was observed in the ICSL laboratory as part of a predisposition screen in an ostensibly healthy population. It had not been previously curated by ICSL or reported in the Human Gene Mutation Database (HGMD: prior to June 1st, 2018), and was therefore a candidate for classification through an automated scoring system. Utilizing variant allele frequency, disease prevalence and penetrance estimates, and inheritance mode, an automated score was calculated to assess if this variant is too frequent to cause the disease. Based on the score and internal cut-off values, a variant classified as benign is not then subjected to further curation. The score for this variant resulted in a classification of benign for this disease.

Illumina Laboratory Services, Illumina
Classification: Benign for Myopathy, myofibrillar, 9, with early respiratory failure. Last evaluated: 2018-01-13. Review status: criteria provided, single submitter. Criteria: ICSL Variant Classification Criteria 13 December 2019. Collection method: clinical testing. Allele origin: germline.
Comment: the same text as in the submission from Illumina Laboratory Services, Illumina above.

Illumina Laboratory Services, Illumina
Classification: Uncertain significance for Early-onset myopathy with fatal cardiomyopathy. Last evaluated: 2018-01-13. Review status: criteria provided, single submitter. Criteria: ICSL Variant Classification Criteria 13 December 2019. Collection method: clinical testing. Allele origin: germline.

GeneDx
Classification: Benign. Last evaluated: 2014-02-26. Review status: criteria provided, single submitter. Criteria: GeneDx Variant Classification (06012015). Collection method: clinical testing. Allele origin: germline. Affected: yes.
Comment: This variant is considered likely benign or benign based on one or more of the following criteria: it is a conservative change, it occurs at a poorly conserved position in the protein, it is predicted to be benign by multiple in silico algorithms, and/or has population frequency not consistent with disease.

Laboratory for Molecular Medicine, Mass General Brigham Personalized Medicine
Classification: Likely benign. Last evaluated: 2012-07-25. Review status: criteria provided, single submitter. Criteria: LMM Criteria. Collection method: clinical testing. Allele origin: germline. Observed: 1 variant allele.
Comment: 31826-14T>C in intron 156 of TTN: This variant is not expected to have clinical significance because it has been identified in 3/8148 European American chromoso mes from a broad population by the NHLBI Exome Sequencing Project (.) 31826-14T>C in intron 156 of TTN (allele frequency = 3/81 48) **

Clinical Genetics DNA and cytogenetics Diagnostics Lab, Erasmus MC, Erasmus Medical Center
Classification: Likely benign. Review status: no assertion criteria provided. Collection method: clinical testing. Allele origin: germline. Affected: yes. Study: VKGL Data-share Consensus. Not counted in ClinVar's aggregate classification.

Clinical Genetics, Academic Medical Center
Classification: Benign. Review status: no assertion criteria provided. Collection method: clinical testing. Allele origin: germline. Affected: yes. Study: VKGL Data-share Consensus. Not counted in ClinVar's aggregate classification.